The following is an entry in ClinVar:

NM_000053.4(ATP7B):c.496C>T (p.Arg166Trp)

Gene: ATP7B (ATPase copper transporting beta; minus strand). Cytogenetic location: 13q14.3.
Variant type: single nucleotide variant.
Coding change: c.496C>T on transcript NM_000053.4 (MANE Select); coding-DNA position 496, C replaced by T.
Protein change: p.Arg166Trp; replaces arginine 166 with tryptophan.
Molecular consequence: missense variant.
Genome position (GRCh38, 1-based): chr13:51,974,724, G>A on the plus strand (C>T on the coding strand, the complement: ATP7B is on the minus strand). VCF-style: chr13-51974724-G-A. GRCh37 (hg19) VCF-style: chr13-52548860-G-A.
Other names: c.496C>T, p.Arg166Trp (NM_001005918.3, NM_001243182.2, NM_001330578.2 and 1 more transcripts); short protein forms R166W.
Identifiers: ClinVar variation 617986 (VCV000617986.23), dbSNP rs755476114, ClinGen allele CA6989552.
Genomic context (GRCh38, chr13:51,974,724, plus strand): 5'-TGATGACGGCCTCTTGGTTGCTGAGTGAGACTTTGACTCTCACTACTCCTTGCAGTTTCC[G>A]GACCTTGCCTTCAATGGAGCTGACACAGGACTGGCAGGTCATGCCCTCCACCCGGAGCTT-3'
Protein context (NP_000044.2, residues 156-176): SCVSSIEGKV[Arg166Trp]KLQGVVRVKV

ClinVar aggregate classification (germline): Conflicting classifications of pathogenicity. Review status: criteria provided, conflicting classifications (1 of 4 stars). 6 submissions from 6 submitters: Uncertain significance (4); Likely benign (1). 1 of the submissions does not count toward it. Last evaluated 2025-12-24.

Conditions:
Wilson disease (WND). Also called: Wilson's disease. Identifiers: Orphanet 905, MedGen C0019202, MONDO:0010200, OMIM 277900. Disease mechanism: loss of function.

Allele frequency attached by ClinVar (database versions not stated): gnomAD 0.00005 and 0.00006; gnomAD exomes 0.00006 and 0.00009; ExAC 0.00007; TOPMed 0.00008.

Submissions (6):

Labcorp Genetics (formerly Invitae), Labcorp
Classification: Likely benign for Wilson disease. Last evaluated: 2025-12-24. Review status: criteria provided, single submitter. Criteria: Invitae Variant Classification Sherloc (09022015). Collection method: clinical testing. Allele origin: germline.

Color Diagnostics, LLC DBA Color Health
Classification: Uncertain significance for Wilson disease. Last evaluated: 2025-07-08. Review status: criteria provided, single submitter. Criteria: ACMG Guidelines, 2015. Collection method: clinical testing. Allele origin: germline.
Comment: This missense variant replaces arginine with tryptophan at codon 166 of the ATP7B protein. Computational prediction suggests that this variant may not impact protein structure and function. To our knowledge, functional studies have not been reported for this variant. This variant has not been reported in individuals affected with ATP7B-related disorders in the literature. This variant has been identified in 15/249398 chromosomes in the general population by the Genome Aggregation Database (gnomAD). The available evidence is insufficient to determine the role of this variant in disease conclusively. Therefore, this variant is classified as a Variant of Uncertain Significance.

Fulgent Genetics
Classification: Uncertain significance for Wilson disease. Last evaluated: 2024-06-10. Review status: criteria provided, single submitter. Criteria: ACMG Guidelines, 2015. Collection method: clinical testing. Allele origin: germline.

Genome-Nilou Lab
Classification: Uncertain significance for Wilson disease. Last evaluated: 2021-08-10. Review status: criteria provided, single submitter. Criteria: ACMG Guidelines, 2015. Collection method: clinical testing. Allele origin: germline. Affected: no.

ARUP Laboratories, Molecular Genetics and Genomics, ARUP Laboratories
Classification: Uncertain significance. Last evaluated: 2018-06-28. Review status: criteria provided, single submitter. Criteria: ARUP Molecular Germline Variant Investigation Process. Collection method: clinical testing. Allele origin: germline.
Comment: The ATP7B c.496C>T; p.Arg166Trp variant (rs755476114), to our knowledge, is not reported in the medical literature or gene specific databases. This variant is found in the general population with an overall allele frequency of 0.006% (15/246072 alleles) in the Genome Aggregation Database. The arginine at codon 166 is weakly conserved, but computational analyses (SIFT, PolyPhen-2) predict that this variant is deleterious. Due to limited information, the clinical significance of the p.Arg166Trp variant is uncertain at this time.

Natera, Inc.
Classification: Uncertain significance for Wilson disease. Last evaluated: 2020-04-15. Review status: no assertion criteria provided. Collection method: clinical testing. Allele origin: germline. Not counted in ClinVar's aggregate classification.